The following is an entry in ClinVar:

ClinVar aggregate classification (germline): Uncertain significance. Review status: criteria provided, multiple submitters, no conflicts (2 of 4 stars). 7 submissions from 4 submitters: Uncertain significance (7). Last evaluated 2024-05-14.

Conditions:
Myosin storage myopathy (CMYO7A). Also called: Scapuloperoneal myopathy, MYH7-related; MYOPATHY, HYALINE BODY, AUTOSOMAL DOMINANT; MYOPATHY WITH LYSIS OF TYPE I MYOFIBRILS; SCAPULOPERONEAL MUSCULAR DYSTROPHY; SCAPULOPERONEAL SYNDROME, MYOPATHIC TYPE; MYH7-related late-onset scapuloperoneal muscular dystrophy. Identifiers: Orphanet 437572, Orphanet 636965, MedGen C1842160, MONDO:0008409, OMIM 608358.
MYH7-related skeletal myopathy. Also called: Myopathy, distal, 1; MYOPATHY, DISTAL, EARLY-ONSET, AUTOSOMAL DOMINANT; MYOPATHY, LATE DISTAL HEREDITARY; Laing early-onset distal myopathy; Laing distal myopathy. Identifiers: Orphanet 59135, MedGen C4552004, MONDO:0008050, OMIM 160500.
Dilated cardiomyopathy 1S (CMD1S). Identifiers: Orphanet 154, Orphanet 54260, MedGen C1834481, MONDO:0013262, OMIM 613426.
Hypertrophic cardiomyopathy. Also called: HYPERTROPHIC MYOCARDIOPATHY. Identifiers: Orphanet 217569, MedGen C0007194, MeSH D002312, MONDO:0005045, HP:0001639.
Cardiomyopathy (CMYO). Also called: Cardiomyopathies. Identifiers: Orphanet 167848, MedGen C0878544, MONDO:0004994, HP:0001638. Inheritance: Various modes of inheritance.
Hypertrophic cardiomyopathy 1 (CMH1). Also called: MYH7-Related Familial Hypertrophic Cardiomyopathy; Familial hypertrophic cardiomyopathy 1. Identifiers: MedGen C3495498, MONDO:0008647, OMIM 192600.

Allele frequency attached by ClinVar (database versions not stated): gnomAD 0.00001; gnomAD exomes 0.00001; TOPMed 0.00002.
gnomAD v4.1: 6 of 1,614,022 alleles (0.00037%); highest among the groups gnomAD compares: East Asian, 0.0067%; no homozygotes.

Submissions (7):

All of Us Research Program, National Institutes of Health
Classification: Uncertain significance for Cardiomyopathy. Last evaluated: 2024-05-14. Review status: criteria provided, single submitter. Criteria: ACMG Guidelines, 2015. Collection method: clinical testing. Allele origin: germline. Inheritance: Autosomal dominant inheritance. Observed: 1 variant allele, 1 heterozygote.
Comment: This missense variant replaces lysine with arginine at codon 994 of the MYH7 protein. Computational prediction tools indicate that this variant has a deleterious impact on protein structure and function. To our knowledge, functional studies have not been reported for this variant. This variant has been reported in two individuals affected with hypertrophic cardiomyopathy (PMID: 25132132, 33658040) and in one individual affected with dilated cardiomyopathy (PMID: 34302607). This variant has been identified in 2/251494 chromosomes in the general population by the Genome Aggregation Database (gnomAD). The available evidence is insufficient to determine the role of this variant in disease conclusively. Therefore, this variant is classified as a Variant of Uncertain Significance.

This study involves interpretation of variants in research participants for the purpose of population health screening. Participant phenotype was not available at the time of variant classification. Additional details can be found in publication PMID: 35346344, PMCID: PMC8962531

Labcorp Genetics (formerly Invitae), Labcorp
Classification: Uncertain significance for Hypertrophic cardiomyopathy. Last evaluated: 2024-05-02. Review status: criteria provided, single submitter. Criteria: Invitae Variant Classification Sherloc (09022015). Collection method: clinical testing. Allele origin: germline.
Comment: This sequence change replaces lysine, which is basic and polar, with arginine, which is basic and polar, at codon 994 of the MYH7 protein (p.Lys994Arg). This variant is present in population databases (no rsID available, gnomAD 0.01%). This missense change has been observed in individual(s) with dilated cardiomyopathy and/or hypertrophic cardiomyopathy (PMID: 25132132, 33658040, 33996946, 36178741). ClinVar contains an entry for this variant (Variation ID: 881318). Advanced modeling of protein sequence and biophysical properties (such as structural, functional, and spatial information, amino acid conservation, physicochemical variation, residue mobility, and thermodynamic stability) performed at Invitae indicates that this missense variant is expected to disrupt MYH7 protein function with a positive predictive value of 95%. In summary, the available evidence is currently insufficient to determine the role of this variant in disease. Therefore, it has been classified as a Variant of Uncertain Significance.

Color Diagnostics, LLC DBA Color Health
Classification: Uncertain significance for Cardiomyopathy. Last evaluated: 2024-04-23. Review status: criteria provided, single submitter. Criteria: ACMG Guidelines, 2015. Collection method: clinical testing. Allele origin: germline.
Comment: This missense variant replaces lysine with arginine at codon 994 of the MYH7 protein. Computational prediction tools indicate that this variant has a deleterious impact on protein structure and function. To our knowledge, functional studies have not been reported for this variant. This variant has been reported in two individuals affected with hypertrophic cardiomyopathy (PMID: 25132132, 33658040) and in one individual affected with dilated cardiomyopathy (PMID: 34302607). This variant has been identified in 2/251494 chromosomes in the general population by the Genome Aggregation Database (gnomAD). The available evidence is insufficient to determine the role of this variant in disease conclusively. Therefore, this variant is classified as a Variant of Uncertain Significance.

Illumina Laboratory Services, Illumina
Classification: Uncertain significance for MYH7-related skeletal myopathy. Last evaluated: 2017-04-28. Review status: criteria provided, single submitter. Criteria: ICSL Variant Classification Criteria 13 December 2019. Collection method: clinical testing. Allele origin: germline.

Illumina Laboratory Services, Illumina
Classification: Uncertain significance for Hypertrophic cardiomyopathy 1. Last evaluated: 2017-04-28. Review status: criteria provided, single submitter. Criteria: ICSL Variant Classification Criteria 13 December 2019. Collection method: clinical testing. Allele origin: germline.
Comment: This variant was observed as part of a predisposition screen in an ostensibly healthy population. A literature search was performed for the gene, cDNA change, and amino acid change (where applicable). Publications were found based on this search. However, the evidence from the literature, in combination with allele frequency data from public databases where available, was not sufficient to rule this variant in or out of causing disease. Therefore, this variant is classified as a variant of unknown significance.

Illumina Laboratory Services, Illumina
Classification: Uncertain significance for Dilated cardiomyopathy 1S. Last evaluated: 2017-04-28. Review status: criteria provided, single submitter. Criteria: ICSL Variant Classification Criteria 13 December 2019. Collection method: clinical testing. Allele origin: germline.

Illumina Laboratory Services, Illumina
Classification: Uncertain significance for Myosin storage myopathy. Last evaluated: 2017-04-28. Review status: criteria provided, single submitter. Criteria: ICSL Variant Classification Criteria 13 December 2019. Collection method: clinical testing. Allele origin: germline.

Literature cited by the submitters: PubMed 25132132 (cited by 4 submitters); PubMed 33658040 (cited by 3 submitters); PubMed 34302607 (cited by All of Us Research Program, National Institutes of Health and Color Diagnostics, LLC DBA Color Health); PubMed 33996946 (cited by Labcorp Genetics (formerly Invitae), Labcorp); PubMed 36178741 (cited by Labcorp Genetics (formerly Invitae), Labcorp).

NM_000257.4(MYH7):c.2981A>G (p.Lys994Arg)

Gene: MYH7 (myosin heavy chain 7; minus strand). Cytogenetic location: 14q11.2.
Variant type: single nucleotide variant.
Coding change: c.2981A>G on transcript NM_000257.4 (MANE Select); coding-DNA position 2981, A replaced by G.
Protein change: p.Lys994Arg; replaces lysine 994 with arginine.
Molecular consequence: missense variant.
Genome position (GRCh38, 1-based): chr14:23,423,665, T>C on the plus strand (A>G on the coding strand, the complement: MYH7 is on the minus strand). VCF-style: chr14-23423665-T-C. GRCh37 (hg19) VCF-style: chr14-23892874-T-C.
Other names: short protein forms K994R.
Identifiers: ClinVar variation 881318 (VCV000881318.24), dbSNP rs1298804415, ClinGen allele CA389046342.